The following is an entry in ClinVar:

ClinVar aggregate classification (germline): Pathogenic (1 of 4 stars; one submission).

Submission:

Labcorp Genetics (formerly Invitae), Labcorp
Classification: Pathogenic. Last evaluated: 2023-01-16. Review status: criteria provided, single submitter. Criteria: Invitae Variant Classification Sherloc (09022015). Collection method: clinical testing. Allele origin: unknown.
Comment: For these reasons, this variant has been classified as Pathogenic. A similar copy number variant has been observed in individuals with hypophosphatemic rickets (PMID: 11502829, 19581284). It has also been observed to segregate with disease in related individuals. This variant is a gross deletion of the genomic region encompassing exon(s) 1-3 of the PHEX gene, which includes the initiator codon. This deletion extends beyond the assayed region for this gene and therefore may encompass additional genes. It is expected to result in an absent or disrupted protein product. Loss-of-function variants in PHEX are known to be pathogenic (PMID: 9097956, 9106524, 19219621).

Literature cited by the submitters: PubMed 11502829; PubMed 19581284; PubMed 9097956; PubMed 9106524; PubMed 19219621.

NC_000023.10:g.(?_22050695)_(22076478_?)del

Gene: PHEX (phosphate regulating endopeptidase X-linked; plus strand). Cytogenetic location: Xp22.11.
Variant type: Deletion.
Identifiers: ClinVar variation 3245967 (VCV003245967.1).